The following is an entry in ClinVar:

NM_053274.3(GLMN):c.839_842del (p.Lys280fs)

Gene: GLMN (glomulin; minus strand). Cytogenetic location: 1p22.1.
Variant type: Deletion.
Coding change: c.839_842del on transcript NM_053274.3 (MANE Select); coding-DNA positions 839 to 842, 4 bases deleted (AACA; older notation c.839_842delAACA).
Protein change: p.Lys280fs; shifts the reading frame from lysine 280.
Molecular consequence: frameshift variant. On other transcripts: non-coding transcript variant (1).
Genome position (GRCh38, 1-based): chr1:92,271,546-92,271,549, TGTT deleted on the plus strand (AACA on the coding strand, the reverse complement: GLMN is on the minus strand); deleting any 4 consecutive bases within chr1:92,271,546-92,271,550 gives the same sequence; the c. name uses the placement nearest the transcript's 3' end. VCF-style (leftmost placement, unchanged base first): chr1-92271545-CTGTT-C. GRCh37 (hg19) VCF-style: chr1-92737102-CTGTT-C.
Other names: c.839_842del, p.Lys280fs (NM_001319683.2); short protein forms K280fs.
Identifiers: ClinVar variation 5007195 (VCV005007195.2).

ClinVar aggregate classification (germline): Likely pathogenic (1 of 4 stars; one submission).

Conditions:
Glomuvenous malformation. Also called: Familial glomangioma; VENOUS MALFORMATIONS WITH GLOMUS CELLS; GLOMANGIOMAS, MULTIPLE; GLOMUS TUMORS, MULTIPLE. Identifiers: Orphanet 83454, MedGen C1841984, MONDO:0007672, OMIM 138000.

Submission:

Juno Genomics, Hangzhou Juno Genomics, Inc
Classification: Likely pathogenic for Glomuvenous malformation. Review status: criteria provided, single submitter. Criteria: ACMG Guidelines, 2015. Collection method: clinical testing. Allele origin: germline.
Comment: Null variant in a gene where loss of function (LOF) is a known mechanism of disease.;Absent from controls (or at extremely low frequency if recessive) in Genome Aggregation Database.